The following is an entry in ClinVar:

ClinVar aggregate classification (germline): Likely pathogenic (1 of 4 stars; one submission).

Conditions:
Mucopolysaccharidosis, MPS-III-A (MPS3A). Also called: Mucopolysaccharidosis type IIIA (Sanfilippo A); HEPARAN SULFATE SULFATASE DEFICIENCY; SANFILIPPO SYNDROME A; SULFAMIDASE DEFICIENCY; MPS III A; MUCOPOLYSACCHARIDOSIS, TYPE IIIA, ATTENUATED. Identifiers: Orphanet 581, Orphanet 79269, MedGen C0086647, MONDO:0009655, OMIM 252900.

Submission:

Myriad Genetics, Inc.
Classification: Likely pathogenic for Mucopolysaccharidosis, MPS-III-A. Last evaluated: 2022-02-19. Review status: criteria provided, single submitter. Criteria: Myriad Women's Health Autosomal Recessive and X-Linked Classification Criteria (2021). Collection method: clinical testing. Allele origin: unknown.
Comment: NM_000199.3(SGSH):c.148_149insAGTG(L50Qfs*87) is expected to be pathogenic in the context of mucopolysaccharidosis type IIIA. This variant is predicted to lead to an abnormal or absent protein product due to the creation of a premature termination codon in SGSH, a gene where loss-of-function variants are known to be pathogenic. Please note: this variant was assessed in the context of healthy population screening.

NM_000199.5(SGSH):c.148_149insAGTG (p.Leu50fs)

Gene: SGSH (N-sulfoglucosamine sulfohydrolase; minus strand). Cytogenetic location: 17q25.3.
Variant type: Insertion.
Coding change: c.148_149insAGTG on transcript NM_000199.5 (MANE Select); coding-DNA positions 148 to 149, AGTG inserted.
Protein change: p.Leu50fs; shifts the reading frame from leucine 50.
Molecular consequence: frameshift variant. On other transcripts: non-coding transcript variant (1).
Genome position: GRCh38 VCF-style: chr17-80217132-A-ACACT. GRCh37 (hg19) VCF-style: chr17-78190931-A-ACACT.
Other names: c.148_149insAGTG, p.Leu50fs (NM_001352921.3, NM_001352922.2); short protein forms L50fs.
Identifiers: ClinVar variation 1724554 (VCV001724554.2), dbSNP rs2510910018, ClinGen allele CA2580095344.
Genomic context (GRCh38, chr17:80,217,132, plus strand): 5'-CAGCTGCTGACCGAGGTGAAGGCATTGCGAAAGAGGAGGCTGCGGCGGGCCAAGGCGTCC[A>ACACT]GGTGCGGGGTGGCGATGGCGCTGTTGTTGTACGCGCCACTCTCAAAGCCTCCGTCATCCG-3'